The following is an entry in ClinVar:

ClinVar aggregate classification (germline): Uncertain significance (1 of 4 stars; one submission).

Submission:

CeGaT Center for Human Genetics Tuebingen
Classification: Uncertain significance. Last evaluated: 2025-03-01. Review status: criteria provided, single submitter. Criteria: CeGaT Center For Human Genetics Tuebingen Variant Classification Criteria Version 2. Collection method: clinical testing. Allele origin: germline. Affected: yes. Observed: 2 variant alleles.
Comment: CAPN3: PM2, PM3

NM_000070.3(CAPN3):c.499-28T>G

Gene: CAPN3 (calpain 3; plus strand). Cytogenetic location: 15q15.1.
Variant type: single nucleotide variant.
Coding change: c.499-28T>G on transcript NM_000070.3 (MANE Select); 28 bases into the intron before coding-DNA position 499, T replaced by G.
Molecular consequence: intron variant.
Genome position (GRCh38, 1-based): chr15:42,387,725, T>G. VCF-style: chr15-42387725-T-G. GRCh37 (hg19) VCF-style: chr15-42679923-T-G.
Other names: c.499-28T>G (NM_024344.2, NM_173087.2).
Identifiers: ClinVar variation 3251030 (VCV003251030.18), dbSNP rs2548257731.